The following is an entry in ClinVar:

NM_001845.6(COL4A1):c.904-6T>A

Gene: COL4A1 (collagen type IV alpha 1 chain; minus strand). Cytogenetic location: 13q34.
Variant type: single nucleotide variant.
Coding change: c.904-6T>A on transcript NM_001845.6 (MANE Select); 6 bases into the intron before coding-DNA position 904, T replaced by A.
Molecular consequence: intron variant.
Genome position (GRCh38, 1-based): chr13:110,205,412, A>T on the plus strand (T>A on the coding strand, the complement: COL4A1 is on the minus strand). VCF-style: chr13-110205412-A-T. GRCh37 (hg19) VCF-style: chr13-110857759-A-T.
Other names: c.904-6T>A (NM_001303110.2).
Identifiers: ClinVar variation 2708552 (VCV002708552.3), dbSNP rs2501579567, ClinGen allele CA2697551933.

ClinVar aggregate classification (germline): Uncertain significance (1 of 4 stars; one submission).

Submission:

Labcorp Genetics (formerly Invitae), Labcorp
Classification: Uncertain significance. Last evaluated: 2024-01-31. Review status: criteria provided, single submitter. Criteria: Invitae Variant Classification Sherloc (09022015). Collection method: clinical testing. Allele origin: germline.
Comment: This sequence change falls in intron 16 of the COL4A1 gene. It does not directly change the encoded amino acid sequence of the COL4A1 protein. This variant is not present in population databases (gnomAD no frequency). This variant has not been reported in the literature in individuals affected with COL4A1-related conditions. Algorithms developed to predict the effect of sequence changes on RNA splicing suggest that this variant may disrupt the consensus splice site. In summary, the available evidence is currently insufficient to determine the role of this variant in disease. Therefore, it has been classified as a Variant of Uncertain Significance.